The following is an entry in ClinVar:

ClinVar aggregate classification (germline): Uncertain significance (1 of 4 stars; one submission).

Allele frequency attached by ClinVar (database versions not stated): TOPMed below 0.00001; ExAC 0.00001; gnomAD 0.00001; gnomAD exomes 0.00001.
gnomAD v4.1: 19 of 1,614,022 alleles (0.0012%); highest among the groups gnomAD compares: South Asian, 0.0033%; no homozygotes.

Submission:

Women's Health and Genetics/Laboratory Corporation of America, LabCorp
Classification: Uncertain significance. Last evaluated: 2021-02-19. Review status: criteria provided, single submitter. Criteria: LabCorp Variant Classification Summary - May 2015. Collection method: clinical testing. Allele origin: germline.
Comment: Variant summary: ZNF407 c.3773G>A (p.Arg1258His) results in a non-conservative amino acid change in the encoded protein sequence. Four of five in-silico tools predict a benign effect of the variant on protein function. The variant allele was found at a frequency of 1.2e-05 in 248664 control chromosomes (gnomAD). The available data on variant occurrences in the general population are insufficient to allow any conclusion about variant significance. To our knowledge, no occurrence of c.3773G>A in individuals affected with ZNF407-Related Disorders and no experimental evidence demonstrating its impact on protein function have been reported. No clinical diagnostic laboratories have submitted clinical-significance assessments for this variant to ClinVar after 2014. Based on the evidence outlined above, the variant was classified as uncertain significance.

NM_017757.3(ZNF407):c.3773G>A (p.Arg1258His)

Gene: ZNF407 (zinc finger protein 407; plus strand). Cytogenetic location: 18q22.3.
Variant type: single nucleotide variant.
Coding change: c.3773G>A on transcript NM_017757.3 (MANE Select); coding-DNA position 3773, G replaced by A.
Protein change: p.Arg1258His; replaces arginine 1258 with histidine.
Molecular consequence: missense variant.
Genome position (GRCh38, 1-based): chr18:74,634,792, G>A. VCF-style: chr18-74634792-G-A. GRCh37 (hg19) VCF-style: chr18-72346748-G-A.
Other names: c.3773G>A, p.Arg1258His (NM_001146189.1, NM_001146190.1, NM_001384475.1); short protein forms R1258H.
Identifiers: ClinVar variation 997857 (VCV000997857.1), dbSNP rs747340041, ClinGen allele CA9000752.